The following is an entry in ClinVar:

ClinVar aggregate classification (germline): Uncertain significance (1 of 4 stars; one submission).

Conditions:
Cardiovascular phenotype. Identifiers: MedGen CN230736.

Allele frequency attached by ClinVar (database versions not stated): gnomAD exomes below 0.00001.
gnomAD v4.1: 1 of 1,614,072 alleles (0.000062%); highest among the groups gnomAD compares: Non-Finnish European, 0.000085%; no homozygotes.

Submission:

Ambry Genetics
Classification: Uncertain significance for Cardiovascular phenotype. Last evaluated: 2022-03-09. Review status: criteria provided, single submitter. Criteria: Ambry Variant Classification Scheme 2023. Collection method: clinical testing. Allele origin: germline.
Comment: The p.N187S variant (also known as c.560A>G), located in coding exon 5 of the ABCG5 gene, results from an A to G substitution at nucleotide position 560. The asparagine at codon 187 is replaced by serine, an amino acid with highly similar properties. This amino acid position is conserved. In addition, this alteration is predicted to be tolerated by in silico analysis. Since supporting evidence is limited at this time, the clinical significance of this alteration remains unclear.

NM_022436.3(ABCG5):c.560A>G (p.Asn187Ser)

Genes: ABCG5 (ATP binding cassette subfamily G member 5; minus strand), DYNC2LI1 (dynein cytoplasmic 2 light intermediate chain 1; plus strand). Cytogenetic location: 2p21.
Variant type: single nucleotide variant.
Coding change: c.560A>G on transcript NM_022436.3 (MANE Select); coding-DNA position 560, A replaced by G.
Protein change: p.Asn187Ser; replaces asparagine 187 with serine.
Molecular consequence: missense variant. On other transcripts: 3 prime UTR variant (2).
Genome position (GRCh38, 1-based): chr2:43,828,057, T>C on the plus strand (A>G on the coding strand, the complement: ABCG5 is on the minus strand). VCF-style: chr2-43828057-T-C. GRCh37 (hg19) VCF-style: chr2-44055196-T-C.
Other names: c.*687T>C (NM_001348912.2, NM_001348913.2); short protein forms N187S.
Identifiers: ClinVar variation 1748612 (VCV001748612.2), dbSNP rs2466053528, ClinGen allele CA346667498.